The following is an entry in ClinVar:

ClinVar aggregate classification (germline): Uncertain significance (1 of 4 stars; one submission).

Conditions:
Cerebral folate transport deficiency. Also called: NEURODEGENERATION DUE TO CEREBRAL FOLATE TRANSPORT DEFICIENCY; Neurodegenerative syndrome due to cerebral folate transport deficiency; FOLR1-Related Cerebral Folate Transport Deficiency; FOLATE RECEPTOR DEFICIENCY; Cerebral folate deficiency syndrome. Identifiers: Orphanet 217382, MedGen C2751584, MONDO:0013110, OMIM 613068. Disease mechanism: loss of function.

Submission:

Labcorp Genetics (formerly Invitae), Labcorp
Classification: Uncertain significance for Cerebral folate transport deficiency. Last evaluated: 2020-01-27. Review status: criteria provided, single submitter. Criteria: Invitae Variant Classification Sherloc (09022015). Collection method: clinical testing. Allele origin: germline.
Comment: In summary, the available evidence is currently insufficient to determine the role of this variant in disease. Therefore, it has been classified as a Variant of Uncertain Significance. This sequence change replaces glutamine with arginine at codon 218 of the FOLR1 protein (p.Gln218Arg). The glutamine residue is moderately conserved and there is a small physicochemical difference between glutamine and arginine. This variant is not present in population databases (ExAC no frequency). This variant has not been reported in the literature in individuals with FOLR1-related conditions. Algorithms developed to predict the effect of missense changes on protein structure and function (SIFT, PolyPhen-2, Align-GVGD) all suggest that this variant is likely to be tolerated, but these predictions have not been confirmed by published functional studies and their clinical significance is uncertain.

NM_016729.3(FOLR1):c.653A>G (p.Gln218Arg)

Genes: FOLR1-AS1 (FOLR1 antisense RNA 1; minus strand), FOLR1 (folate receptor alpha; plus strand). Cytogenetic location: 11q13.4.
Variant type: single nucleotide variant.
Coding change: c.653A>G on transcript NM_016729.3 (MANE Select); coding-DNA position 653, A replaced by G.
Protein change: p.Gln218Arg; replaces glutamine 218 with arginine.
Molecular consequence: missense variant.
Genome position (GRCh38, 1-based): chr11:72,196,056, A>G. VCF-style: chr11-72196056-A-G. GRCh37 (hg19) VCF-style: chr11-71907100-A-G.
Other names: c.653A>G, p.Gln218Arg (NM_000802.3, NM_016724.3, NM_016725.3); short protein forms Q218R.
Identifiers: ClinVar variation 1042428 (VCV001042428.10), dbSNP rs1948229149, ClinGen allele CA381734788.